The following is an entry in ClinVar:

ClinVar aggregate classification (germline): Pathogenic (1 of 4 stars; one submission).

gnomAD v4.1: 2 of 1,613,948 alleles (0.00012%); highest among the groups gnomAD compares: Non-Finnish European, 0.00017%; no homozygotes.

Submission:

Labcorp Genetics (formerly Invitae), Labcorp
Classification: Pathogenic. Last evaluated: 2024-01-22. Review status: criteria provided, single submitter. Criteria: Invitae Variant Classification Sherloc (09022015). Collection method: clinical testing. Allele origin: germline.
Comment: This sequence change creates a premature translational stop signal (p.Trp1175*) in the NALCN gene. It is expected to result in an absent or disrupted protein product. Loss-of-function variants in NALCN are known to be pathogenic (PMID: 23749988, 24075186). This variant is not present in population databases (gnomAD no frequency). This variant has not been reported in the literature in individuals affected with NALCN-related conditions. For these reasons, this variant has been classified as Pathogenic.

Literature cited by the submitters: PubMed 23749988; PubMed 24075186.

NM_052867.4(NALCN):c.3525G>A (p.Trp1175Ter)

Gene: NALCN (sodium leak channel, non-selective; minus strand). Cytogenetic location: 13q32.3.
Variant type: single nucleotide variant.
Coding change: c.3525G>A on transcript NM_052867.4 (MANE Select); coding-DNA position 3525, G replaced by A.
Protein change: p.Trp1175Ter; replaces tryptophan 1175 with a stop codon.
Molecular consequence: nonsense.
Genome position (GRCh38, 1-based): chr13:101,083,769, C>T on the plus strand (G>A on the coding strand, the complement: NALCN is on the minus strand). VCF-style: chr13-101083769-C-T. GRCh37 (hg19) VCF-style: chr13-101736120-C-T.
Other names: c.3612G>A, p.Trp1204Ter (NM_001350748.2); c.3525G>A, p.Trp1175Ter (NM_001350749.2); c.3438G>A, p.Trp1146Ter (NM_001350750.2, NM_001350751.2); short protein forms W1146*, W1204*, W1175*.
Identifiers: ClinVar variation 3710033 (VCV003710033.2).
Genomic context (GRCh38, chr13:101,083,769, plus strand): 5'-ACCCGGGCGAGGCGGAAGATGAAGAGGCTGTGCGATCTTCAGTCGGCTCTTCAGGTCTTC[C>T]CATCTTCTCTGATCGACGGTCAGCAAAGCCGTCCCCTTAACAGACAAAAGAAAGCAGGAA-3'